The following is an entry in ClinVar:

ClinVar aggregate classification (germline): Conflicting classifications of pathogenicity. Review status: criteria provided, conflicting classifications (1 of 4 stars). 5 submissions from 5 submitters: Uncertain significance (2); Likely benign (2). 1 of the submissions does not count toward it. Last evaluated 2025-12-30.

Conditions:
C12orf57-related disorder. Also called: C12orf57-related condition.
Temtamy syndrome (TEMTYS). Also called: MENTAL RETARDATION WITH OR WITHOUT CRANIOFACIAL DYSMORPHISM, OCULAR COLOBOMA, OR ABNORMAL CORPUS CALLOSUM. Identifiers: Orphanet 1777, MedGen C1857512, MONDO:0009033, OMIM 218340.

Allele frequency attached by ClinVar (database versions not stated): gnomAD exomes 0.00051; ExAC 0.00064; gnomAD 0.00217 and 0.00234; 1000 Genomes Project 0.00220; 1000 Genomes Project 30x 0.00219; ESP Exome Variant Server 0.00146; TOPMed 0.00247.
gnomAD v4.1: 643 of 1,613,384 alleles (0.04%); highest among the groups gnomAD compares: African/African-American, 0.62%; 3 homozygotes.

Submissions (5):

Labcorp Genetics (formerly Invitae), Labcorp
Classification: Likely benign for Temtamy syndrome. Last evaluated: 2025-12-30. Review status: criteria provided, single submitter. Criteria: Invitae Variant Classification Sherloc (09022015). Collection method: clinical testing. Allele origin: germline.

Mayo Clinic Laboratories, Mayo Clinic
Classification: Uncertain significance. Last evaluated: 2022-08-04. Review status: criteria provided, single submitter. Criteria: ACMG Guidelines, 2015. Collection method: clinical testing. Allele origin: germline. Observed: 1 variant allele.
Comment: BS1

GeneDx
Classification: Likely benign. Last evaluated: 2021-06-02. Review status: criteria provided, single submitter. Criteria: GeneDx Variant Classification Process June 2021. Collection method: clinical testing. Allele origin: germline. Affected: yes.

Genetic Services Laboratory, University of Chicago
Classification: Uncertain significance. Last evaluated: 2014-05-09. Review status: criteria provided, single submitter. Criteria: ACMG Guidelines, 2015. Collection method: clinical testing. Allele origin: germline.

PreventionGenetics, part of Exact Sciences
Classification: Likely benign for C12orf57-related condition. Last evaluated: 2021-02-22. Review status: no assertion criteria provided. Collection method: clinical testing. Allele origin: germline. Not counted in ClinVar's aggregate classification.
Comment: This variant is classified as likely benign based on ACMG/AMP sequence variant interpretation guidelines (Richards et al. 2015 PMID: 25741868, with internal and published modifications).

NM_138425.4(C12orf57):c.86C>T (p.Ala29Val)

Gene: C12orf57 (chromosome 12 open reading frame 57; plus strand). Cytogenetic location: 12p13.31.
Variant type: single nucleotide variant.
Coding change: c.86C>T on transcript NM_138425.4 (MANE Select); coding-DNA position 86, C replaced by T.
Protein change: p.Ala29Val; replaces alanine 29 with valine.
Molecular consequence: missense variant. On other transcripts: 5 prime UTR variant (1), non-coding transcript variant (1).
Genome position (GRCh38, 1-based): chr12:6,944,509, C>T. VCF-style: chr12-6944509-C-T. GRCh37 (hg19) VCF-style: chr12-7053672-C-T.
Other names: p.Ala29Val; c.86C>T, p.Ala29Val (NM_001301834.1, NM_001301837.2); c.47C>T, p.Ala16Val (NM_001301836.2); c.-20C>T (NM_001301838.2); short protein forms A29V, A16V.
Identifiers: ClinVar variation 210550 (VCV000210550.21), dbSNP rs139938808, ClinGen allele CA205285.